The following is an entry in ClinVar:

NM_001024630.4(RUNX2):c.*2199A>G

Gene: RUNX2 (RUNX family transcription factor 2; plus strand). Cytogenetic location: 6p21.1.
Variant type: single nucleotide variant.
Coding change: c.*2199A>G on transcript NM_001024630.4 (MANE Select); 2199 bases downstream of the stop codon, A replaced by G.
Molecular consequence: 3 prime UTR variant.
Genome position (GRCh38, 1-based): chr6:45,549,504, A>G. VCF-style: chr6-45549504-A-G. GRCh37 (hg19) VCF-style: chr6-45517241-A-G.
Other names: c.*2199A>G (NM_001015051.4, NM_001278478.2, NM_001369405.1).
Identifiers: ClinVar variation 357122 (VCV000357122.5), dbSNP rs144977950, ClinGen allele CA10622251.

ClinVar aggregate classification (germline): Benign (1 of 4 stars; one submission).

Conditions:
Cleidocranial dysostosis (CLCD1). Also called: cleidocranial dysplasia 1; Marie-Sainton disease; Cleidocranial Dysplasia Spectrum Disorder. Identifiers: Orphanet 1452, MedGen C0008928, MONDO:0007340, OMIM 119600.

Allele frequency attached by ClinVar (database versions not stated): 1000 Genomes Project 30x 0.00094; 1000 Genomes Project 0.00120; TOPMed 0.00442; gnomAD 0.00521 and 0.00540; gnomAD exomes 0.00577.
gnomAD v4.1: 2,183 of 397,522 alleles (0.55%); highest among the groups gnomAD compares: Non-Finnish European, 0.8%; 11 homozygotes.

Submission:

Illumina Laboratory Services, Illumina
Classification: Benign for Cleidocranial dysostosis. Last evaluated: 2018-01-13. Review status: criteria provided, single submitter. Criteria: ICSL Variant Classification Criteria 13 December 2019. Collection method: clinical testing. Allele origin: germline.
Comment: This variant was observed in the ICSL laboratory as part of a predisposition screen in an ostensibly healthy population. It had not been previously curated by ICSL or reported in the Human Gene Mutation Database (HGMD: prior to June 1st, 2018), and was therefore a candidate for classification through an automated scoring system. Utilizing variant allele frequency, disease prevalence and penetrance estimates, and inheritance mode, an automated score was calculated to assess if this variant is too frequent to cause the disease. Based on the score and internal cut-off values, a variant classified as benign is not then subjected to further curation. The score for this variant resulted in a classification of benign for this disease.